The following is an entry in ClinVar:

NM_002439.5(MSH3):c.3148C>T (p.Pro1050Ser)

Gene: MSH3 (mutS homolog 3; plus strand). Cytogenetic location: 5q14.1.
Variant type: single nucleotide variant.
Coding change: c.3148C>T on transcript NM_002439.5 (MANE Select); coding-DNA position 3148, C replaced by T.
Protein change: p.Pro1050Ser; replaces proline 1050 with serine.
Molecular consequence: missense variant.
Genome position (GRCh38, 1-based): chr5:80,873,133, C>T. VCF-style: chr5-80873133-C-T. GRCh37 (hg19) VCF-style: chr5-80168952-C-T.
Other names: short protein forms P1050S.
Identifiers: ClinVar variation 960800 (VCV000960800.13), dbSNP rs750481881, ClinGen allele CA3328471.

ClinVar aggregate classification (germline): Uncertain significance. Review status: criteria provided, multiple submitters, no conflicts (2 of 4 stars). 2 submissions from 2 submitters: Uncertain significance (2). Last evaluated 2025-07-14.

Conditions:
Hereditary cancer-predisposing syndrome. Also called: Tumor predisposition; Hereditary neoplastic syndrome; Neoplastic Syndromes, Hereditary; Hereditary Cancer Syndrome. Identifiers: Orphanet 140162, MedGen C0027672, MeSH D009386, MONDO:0015356.

Allele frequency attached by ClinVar (database versions not stated): gnomAD exomes below 0.00001; ExAC 0.00001; gnomAD 0.00003; TOPMed 0.00003.
gnomAD v4.1: 4 of 1,613,524 alleles (0.00025%); highest among the groups gnomAD compares: African/African-American, 0.0053%; no homozygotes.

Submissions (2):

Labcorp Genetics (formerly Invitae), Labcorp
Classification: Uncertain significance. Last evaluated: 2025-07-14. Review status: criteria provided, single submitter. Criteria: Invitae Variant Classification Sherloc (09022015). Collection method: clinical testing. Allele origin: germline.
Comment: This sequence change replaces proline, which is neutral and non-polar, with serine, which is neutral and polar, at codon 1050 of the MSH3 protein (p.Pro1050Ser). This variant is present in population databases (rs750481881, gnomAD 0.007%). This variant has not been reported in the literature in individuals affected with MSH3-related conditions. ClinVar contains an entry for this variant (Variation ID: 960800). An algorithm developed to predict the effect of missense changes on protein structure and function (PolyPhen-2) suggests that this variant is likely to be disruptive. In summary, the available evidence is currently insufficient to determine the role of this variant in disease. Therefore, it has been classified as a Variant of Uncertain Significance.

Ambry Genetics
Classification: Uncertain significance for Hereditary cancer-predisposing syndrome. Last evaluated: 2024-08-27. Review status: criteria provided, single submitter. Criteria: Ambry Variant Classification Scheme 2023. Collection method: clinical testing. Allele origin: germline.
Comment: The p.P1050S variant (also known as c.3148C>T), located in coding exon 23 of the MSH3 gene, results from a C to T substitution at nucleotide position 3148. The proline at codon 1050 is replaced by serine, an amino acid with similar properties. This amino acid position is highly conserved in available vertebrate species. In addition, the in silico prediction for this alteration is inconclusive. Based on the available evidence, the clinical significance of this variant remains unclear.